The following is an entry in ClinVar:

NM_014270.5(SLC7A9):c.547G>T (p.Ala183Ser)

Gene: SLC7A9 (solute carrier family 7 member 9; minus strand). Cytogenetic location: 19q13.11.
Variant type: single nucleotide variant.
Coding change: c.547G>T on transcript NM_014270.5 (MANE Select); coding-DNA position 547, G replaced by T.
Protein change: p.Ala183Ser; replaces alanine 183 with serine.
Molecular consequence: missense variant.
Genome position (GRCh38, 1-based): chr19:32,862,518, C>A on the plus strand (G>T on the coding strand, the complement: SLC7A9 is on the minus strand). VCF-style: chr19-32862518-C-A. GRCh37 (hg19) VCF-style: chr19-33353424-C-A.
Other names: c.547G>T, p.Ala183Ser (NM_001126335.2, NM_001243036.2); short protein forms A183S.
Identifiers: ClinVar variation 2164754 (VCV002164754.4), dbSNP rs201766636, ClinGen allele CA307508072.
Genomic context (GRCh38, chr19:32,862,518, plus strand): 5'-CACCTTGGGCCAGGAGCACCAGCCCGCTGATGATGATGATGGCCACGATCACCAGCTTGG[C>A]CGCGGTGAAGATGTTCTGGACGTAGCTTCCCAGCCGCACGCTCAGTGAGTTCACTGTCGA-3'
Protein context (NP_055085.1, residues 173-193): GSYVQNIFTA[Ala183Ser]KLVIVAIIII

ClinVar aggregate classification (germline): Uncertain significance (1 of 4 stars; one submission).

gnomAD v4.1: 24 of 1,613,588 alleles (0.0015%); highest among the groups gnomAD compares: Non-Finnish European, 0.002%; no homozygotes.

Submission:

Labcorp Genetics (formerly Invitae), Labcorp
Classification: Uncertain significance. Last evaluated: 2022-08-03. Review status: criteria provided, single submitter. Criteria: Invitae Variant Classification Sherloc (09022015). Collection method: clinical testing. Allele origin: germline.
Comment: In summary, the available evidence is currently insufficient to determine the role of this variant in disease. Therefore, it has been classified as a Variant of Uncertain Significance. Algorithms developed to predict the effect of missense changes on protein structure and function output the following: SIFT: "Tolerated"; PolyPhen-2: "Possibly Damaging"; Align-GVGD: "Class C15". The serine amino acid residue is found in multiple mammalian species, which suggests that this missense change does not adversely affect protein function. This variant has not been reported in the literature in individuals affected with SLC7A9-related conditions. This variant is present in population databases (rs201766636, gnomAD 0.008%). This sequence change replaces alanine, which is neutral and non-polar, with serine, which is neutral and polar, at codon 183 of the SLC7A9 protein (p.Ala183Ser).